The following is an entry in ClinVar:

ClinVar aggregate classification (germline): Benign/Likely benign. Review status: criteria provided, multiple submitters, no conflicts (2 of 4 stars). 4 submissions from 4 submitters: Benign (1); Likely benign (3). Last evaluated 2026-06-24.

Conditions:
Hereditary cancer-predisposing syndrome. Also called: Neoplastic Syndromes, Hereditary; Tumor predisposition; Hereditary neoplastic syndrome; Hereditary Cancer Syndrome. Identifiers: Orphanet 140162, MedGen C0027672, MeSH D009386, MONDO:0015356.
Retinoblastoma (RB1). Also called: RETINOBLASTOMA, SOMATIC. Identifiers: Orphanet 790, MedGen C0035335, MeSH D012175, MONDO:0008380, OMIM 180200, HP:0009919. Disease mechanism: loss of function. Inheritance: Both sporadic and heritable forms are tested..

Allele frequency attached by ClinVar (database versions not stated): gnomAD exomes below 0.00001.
gnomAD v4.1: 1 of 1,612,672 alleles (0.000062%); highest among the groups gnomAD compares: Non-Finnish European, 0.000085%; no homozygotes.

Submissions (4):

Myriad Genetics, Inc.
Classification: Benign for Retinoblastoma. Last evaluated: 2026-06-24. Review status: criteria provided, single submitter. Criteria: Myriad Autosomal Dominant, Autosomal Recessive and X-Linked Classification Criteria (2023). Collection method: clinical testing. Allele origin: unknown.
Comment: This variant is considered benign. This variant is a silent/synonymous amino acid change and it is not expected to impact splicing.

Labcorp Genetics (formerly Invitae), Labcorp
Classification: Likely benign for Retinoblastoma. Last evaluated: 2024-04-29. Review status: criteria provided, single submitter. Criteria: Invitae Variant Classification Sherloc (09022015). Collection method: clinical testing. Allele origin: germline.

Color Diagnostics, LLC DBA Color Health
Classification: Likely benign for Retinoblastoma. Last evaluated: 2022-04-29. Review status: criteria provided, single submitter. Criteria: ACMG Guidelines, 2015. Collection method: clinical testing. Allele origin: germline.

Ambry Genetics
Classification: Likely benign for Hereditary cancer-predisposing syndrome. Last evaluated: 2020-03-16. Review status: criteria provided, single submitter. Criteria: Ambry Variant Classification Scheme 2023. Collection method: clinical testing. Allele origin: germline.

NM_000321.3(RB1):c.1704T>C (p.Pro568=)

Gene: RB1 (RB transcriptional corepressor 1; plus strand). Cytogenetic location: 13q14.2.
Variant type: single nucleotide variant.
Coding change: c.1704T>C on transcript NM_000321.3 (MANE Select); coding-DNA position 1704, T replaced by C.
Protein change: p.Pro568=; no amino-acid change (proline 568 retained).
Molecular consequence: synonymous variant.
Genome position (GRCh38, 1-based): chr13:48,453,001, T>C. VCF-style: chr13-48453001-T-C. GRCh37 (hg19) VCF-style: chr13-49027137-T-C.
Other names: c.1704T>C, p.Pro568= (NM_001407165.1).
Identifiers: ClinVar variation 1778422 (VCV001778422.6), dbSNP rs1555293625, ClinGen allele CA483558131.